The following is an entry in ClinVar:

ClinVar aggregate classification (germline): Uncertain significance (1 of 4 stars; one submission).

Conditions:
Cortical dysplasia-focal epilepsy syndrome (PTHSL1). Also called: Pitt-Hopkins-like syndrome 1. Identifiers: Orphanet 163681, Orphanet 221150, MedGen C2750246, MONDO:0012400, OMIM 610042.

gnomAD v4.1: 2 of 1,613,926 alleles (0.00012%); highest among the groups gnomAD compares: Non-Finnish European, 0.000085%; no homozygotes.

Submission:

Labcorp Genetics (formerly Invitae), Labcorp
Classification: Uncertain significance for Cortical dysplasia-focal epilepsy syndrome. Last evaluated: 2022-05-05. Review status: criteria provided, single submitter. Criteria: Invitae Variant Classification Sherloc (09022015). Collection method: clinical testing. Allele origin: germline.
Comment: This sequence change replaces isoleucine, which is neutral and non-polar, with phenylalanine, which is neutral and non-polar, at codon 471 of the CNTNAP2 protein (p.Ile471Phe). This variant is present in population databases (no rsID available, gnomAD 0.007%). This variant has not been reported in the literature in individuals affected with CNTNAP2-related conditions. Algorithms developed to predict the effect of missense changes on protein structure and function are either unavailable or do not agree on the potential impact of this missense change (SIFT: "Deleterious"; PolyPhen-2: "Benign"; Align-GVGD: "Class C0"). In summary, the available evidence is currently insufficient to determine the role of this variant in disease. Therefore, it has been classified as a Variant of Uncertain Significance.

NM_014141.6(CNTNAP2):c.1411A>T (p.Ile471Phe)

Gene: CNTNAP2 (contactin associated protein 2; plus strand). Cytogenetic location: 7q35.
Variant type: single nucleotide variant.
Coding change: c.1411A>T on transcript NM_014141.6 (MANE Select); coding-DNA position 1411, A replaced by T.
Protein change: p.Ile471Phe; replaces isoleucine 471 with phenylalanine.
Molecular consequence: missense variant.
Genome position (GRCh38, 1-based): chr7:147,300,203, A>T. VCF-style: chr7-147300203-A-T. GRCh37 (hg19) VCF-style: chr7-146997295-A-T.
Other names: short protein forms I471F.
Identifiers: ClinVar variation 2134089 (VCV002134089.4), dbSNP rs1286176571, ClinGen allele CA369925169.